The following is an entry in ClinVar:

NM_001286445.3(RIPOR2):c.*7G>A

Gene: RIPOR2 (RHO family interacting cell polarization regulator 2; minus strand). Cytogenetic location: 6p22.3.
Variant type: single nucleotide variant.
Coding change: c.*7G>A on transcript NM_001286445.3 (MANE Select); 7 bases downstream of the stop codon, G replaced by A.
Molecular consequence: 3 prime UTR variant.
Genome position (GRCh38, 1-based): chr6:24,806,366, C>T on the plus strand (G>A on the coding strand, the complement: RIPOR2 is on the minus strand). VCF-style: chr6-24806366-C-T. GRCh37 (hg19) VCF-style: chr6-24806594-C-T.
Other names: c.*7G>A (NM_001346031.2, NM_001346032.2, NM_014722.5).
Identifiers: ClinVar variation 517548 (VCV000517548.9), dbSNP rs9358799, ClinGen allele CA3659026.

ClinVar aggregate classification (germline): Benign. Review status: criteria provided, multiple submitters, no conflicts (2 of 4 stars). 4 submissions from 4 submitters: Benign (4). Last evaluated 2021-08-10.

Conditions:
Autosomal recessive nonsyndromic hearing loss 104. Also called: Deafness, autosomal recessive 104. Identifiers: Orphanet 90636, MedGen C4225298, MONDO:0014675, OMIM 616515.

Allele frequency attached by ClinVar (database versions not stated): TOPMed 0.43277; ExAC 0.46084; ESP Exome Variant Server 0.46277; gnomAD 0.44703 and 0.44982; gnomAD exomes 0.46535; 1000 Genomes Project 0.35783; 1000 Genomes Project 30x 0.35821.
gnomAD v4.1: 771,271 of 1,524,680 alleles (51%); highest among the groups gnomAD compares: Non-Finnish European, 54%; 200,409 homozygotes.

Submissions (4):

Genome-Nilou Lab
Classification: Benign for Autosomal recessive nonsyndromic hearing loss 104. Last evaluated: 2021-08-10. Review status: criteria provided, single submitter. Criteria: ACMG Guidelines, 2015. Collection method: clinical testing. Allele origin: germline. Affected: no.

Mayo Clinic Laboratories, Mayo Clinic
Classification: Benign. Last evaluated: 2020-09-04. Review status: criteria provided, single submitter. Criteria: ACMG Guidelines, 2015. Collection method: clinical testing. Allele origin: germline. Observed: 102 variant alleles.

Laboratory for Molecular Medicine, Mass General Brigham Personalized Medicine
Classification: Benign. Last evaluated: 2017-08-23. Review status: criteria provided, single submitter. Criteria: LMM Criteria. Collection method: clinical testing. Allele origin: germline. Observed: 48 variant alleles.
Comment: c.*7G>A in exon 23 of FAM65B: This variant is not expected to have clinical sign ificance because it has been identified in 52.33% (4623/8834) of European chromo somes by the Exome Aggregation Consortium (ExAC; dbSNP rs9358799).

GeneDx
Classification: Benign. Last evaluated: 2017-05-09. Review status: criteria provided, single submitter. Criteria: GeneDx Variant Classification Process June 2021. Collection method: clinical testing. Allele origin: germline. Affected: yes.